The following is an entry in ClinVar:

NM_025179.4(PLXNA2):c.1607+7T>C

Gene: PLXNA2 (plexin A2; minus strand). Cytogenetic location: 1q32.2.
Variant type: single nucleotide variant.
Coding change: c.1607+7T>C on transcript NM_025179.4 (MANE Select); 7 bases into the intron after coding-DNA position 1607, T replaced by C.
Molecular consequence: intron variant.
Genome position (GRCh38, 1-based): chr1:208,103,140, A>G on the plus strand (T>C on the coding strand, the complement: PLXNA2 is on the minus strand). VCF-style: chr1-208103140-A-G. GRCh37 (hg19) VCF-style: chr1-208276485-A-G.
Other names: c.1607+7T>C (NM_025179.3).
Identifiers: ClinVar variation 2979101 (VCV002979101.4), dbSNP rs771639278, ClinGen allele CA1373798.

ClinVar aggregate classification (germline): Likely benign. Review status: criteria provided, multiple submitters, no conflicts (2 of 4 stars). 2 submissions from 2 submitters: Likely benign (2). Last evaluated 2026-01-13.

Conditions:
PLXNA2-related disorder. Also called: PLXNA2-related condition.

Allele frequency attached by ClinVar (database versions not stated): ExAC 0.00002; TOPMed 0.00003; gnomAD 0.00005.
gnomAD v4.1: 41 of 1,610,072 alleles (0.0025%); highest among the groups gnomAD compares: African/African-American, 0.008%; no homozygotes.

Submissions (2):

PreventionGenetics, part of Exact Sciences
Classification: Likely benign for PLXNA2-related condition. Last evaluated: 2026-01-13. Review status: criteria provided, single submitter. Criteria: ACMG Guidelines, 2015. Collection method: clinical testing. Allele origin: germline.
Comment: This variant is classified as likely benign based on ACMG/AMP sequence variant interpretation guidelines (Richards et al. 2015 PMID: 25741868, with internal and published modifications).

Labcorp Genetics (formerly Invitae), Labcorp
Classification: Likely benign. Last evaluated: 2022-11-06. Review status: criteria provided, single submitter. Criteria: Invitae Variant Classification Sherloc (09022015). Collection method: clinical testing. Allele origin: germline.